The following is an entry in ClinVar:

ClinVar aggregate classification (germline): Uncertain significance. Review status: criteria provided, multiple submitters, no conflicts (2 of 4 stars). 5 submissions from 4 submitters: Uncertain significance (5). Last evaluated 2025-07-14.

Conditions:
Niemann-Pick disease, type B. Also called: Chronic Visceral ASMD (Niemann-Pick Disease Type B; NPD-B). Identifiers: Orphanet 77293, MedGen C0268243, MONDO:0011871, OMIM 607616. Disease mechanism: loss of function.
Niemann-Pick disease, type A. Also called: SPHINGOMYELIN LIPIDOSIS; SPHINGOMYELINASE DEFICIENCY; Infantile Neurovisceral ASMD (Niemann-Pick Disease Type A; NPD-A). Identifiers: Orphanet 77292, MedGen C0268242, MONDO:0009756, OMIM 257200. Disease mechanism: loss of function.

Submissions (5):

Women's Health and Genetics/Laboratory Corporation of America, LabCorp
Classification: Uncertain significance. Last evaluated: 2025-07-14. Review status: criteria provided, single submitter. Criteria: LabCorp Variant Classification Summary - May 2015. Collection method: clinical testing. Allele origin: germline.
Comment: Variant summary: SMPD1 c.1022G>A (p.Arg341His) results in a non-conservative amino acid change in the encoded protein sequence. Algorithms developed to predict the effect of missense changes on protein structure and function are either unavailable or do not agree on the potential impact of this missense change. The variant allele was found at a frequency of 2.4e-05 in 251330 control chromosomes. The available data on variant occurrences in the general population are insufficient to allow any conclusion about variant significance. To our knowledge, no occurrence of c.1022G>A in individuals affected with Niemann-Pick Disease and no experimental evidence demonstrating its impact on protein function have been reported. ClinVar contains an entry for this variant (Variation ID: 1209798). Based on the evidence outlined above, the variant was classified as uncertain significance.

Labcorp Genetics (formerly Invitae), Labcorp
Classification: Uncertain significance for Niemann-Pick disease, type B; Niemann-Pick disease, type A. Last evaluated: 2022-05-12. Review status: criteria provided, single submitter. Criteria: Invitae Variant Classification Sherloc (09022015). Collection method: clinical testing. Allele origin: germline.
Comment: This sequence change replaces arginine, which is basic and polar, with histidine, which is basic and polar, at codon 341 of the SMPD1 protein (p.Arg341His). This variant is present in population databases (rs200242334, gnomAD 0.006%). This variant has not been reported in the literature in individuals affected with SMPD1-related conditions. ClinVar contains an entry for this variant (Variation ID: 1209798). Advanced modeling of protein sequence and biophysical properties (such as structural, functional, and spatial information, amino acid conservation, physicochemical variation, residue mobility, and thermodynamic stability) performed at Invitae indicates that this missense variant is not expected to disrupt SMPD1 protein function. In summary, the available evidence is currently insufficient to determine the role of this variant in disease. Therefore, it has been classified as a Variant of Uncertain Significance.

Fulgent Genetics
Classification: Uncertain significance for Niemann-Pick disease, type A; Niemann-Pick disease, type B. Last evaluated: 2021-09-30. Review status: criteria provided, single submitter. Criteria: ACMG Guidelines, 2015. Collection method: clinical testing. Allele origin: unknown.

Genome-Nilou Lab
Classification: Uncertain significance for Niemann-Pick disease, type A. Last evaluated: 2021-07-22. Review status: criteria provided, single submitter. Criteria: ACMG Guidelines, 2015. Collection method: clinical testing. Allele origin: germline. Affected: no.

Genome-Nilou Lab
Classification: Uncertain significance for Niemann-Pick disease, type B. Last evaluated: 2021-07-22. Review status: criteria provided, single submitter. Criteria: ACMG Guidelines, 2015. Collection method: clinical testing. Allele origin: germline. Affected: no.

NM_000543.5(SMPD1):c.1022G>A (p.Arg341His)

Gene: SMPD1 (sphingomyelin phosphodiesterase 1; plus strand). Cytogenetic location: 11p15.4.
Variant type: single nucleotide variant.
Coding change: c.1022G>A on transcript NM_000543.5 (MANE Select); coding-DNA position 1022, G replaced by A.
Protein change: p.Arg341His; replaces arginine 341 with histidine.
Molecular consequence: missense variant. On other transcripts: non-coding transcript variant (1).
Genome position (GRCh38, 1-based): chr11:6,392,087, G>A. VCF-style: chr11-6392087-G-A. GRCh37 (hg19) VCF-style: chr11-6413317-G-A.
Other names: c.1019G>A, p.Arg340His (NM_001007593.3); c.1022G>A, p.Arg341His (NM_001318087.2, NM_001365135.2); c.61G>A, p.Ala21Thr (NM_001318088.2); short protein forms A21T, R340H, R341H.
Identifiers: ClinVar variation 1209798 (VCV001209798.7), dbSNP rs200242334, ClinGen allele CA5852734.